The following is an entry in ClinVar:

ClinVar aggregate classification (germline): Uncertain significance (0 of 4 stars; one submission).

Conditions:
PLXNA4-related disorder. Also called: PLXNA4-related condition.

gnomAD v4.1: 1 of 1,614,176 alleles (0.000062%); highest among the groups gnomAD compares: African/African-American, 0.0013%; no homozygotes.

Submission:

PreventionGenetics, part of Exact Sciences
Classification: Uncertain significance for PLXNA4-related condition. Last evaluated: 2023-12-11. Review status: no assertion criteria provided. Collection method: clinical testing. Allele origin: germline.
Comment: The PLXNA4 c.3328G>C variant is predicted to result in the amino acid substitution p.Asp1110His. To our knowledge, this variant has not been reported in the literature or in a large population database, indicating this variant is rare. At this time, the clinical significance of this variant is uncertain due to the absence of conclusive functional and genetic evidence.

NM_020911.2(PLXNA4):c.3328G>C (p.Asp1110His)

Gene: PLXNA4 (plexin A4; minus strand). Cytogenetic location: 7q32.3.
Variant type: single nucleotide variant.
Coding change: c.3328G>C on transcript NM_020911.2 (MANE Select); coding-DNA position 3328, G replaced by C.
Protein change: p.Asp1110His; replaces aspartic acid 1110 with histidine.
Molecular consequence: missense variant.
Genome position (GRCh38, 1-based): chr7:132,181,545, C>G on the plus strand (G>C on the coding strand, the complement: PLXNA4 is on the minus strand). VCF-style: chr7-132181545-C-G. GRCh37 (hg19) VCF-style: chr7-131866304-C-G.
Other names: c.3328G>C, p.Asp1110His (NM_001393897.1); short protein forms D1110H.
Identifiers: ClinVar variation 3349649 (VCV003349649.1).